The following is an entry in ClinVar:

NM_000548.5(TSC2):c.4857C>G (p.Phe1619Leu)

Gene: TSC2 (TSC complex subunit 2; plus strand). Cytogenetic location: 16p13.3.
Variant type: single nucleotide variant.
Coding change: c.4857C>G on transcript NM_000548.5 (MANE Select); coding-DNA position 4857, C replaced by G.
Protein change: p.Phe1619Leu; replaces phenylalanine 1619 with leucine.
Molecular consequence: missense variant. On other transcripts: non-coding transcript variant (4).
Genome position (GRCh38, 1-based): chr16:2,086,739, C>G. VCF-style: chr16-2086739-C-G. GRCh37 (hg19) VCF-style: chr16-2136740-C-G.
Other names: c.3381C>G, p.Phe1127Leu (NM_001406691.1); c.3315C>G, p.Phe1105Leu (NM_001406692.1, NM_001406693.1, NM_001406694.1); c.3312C>G, p.Phe1104Leu (NM_001406695.1, NM_001406696.1, NM_001406697.1); c.3054C>G, p.Phe1018Leu (NM_001406698.1); c.4728C>G, p.Phe1576Leu (NM_021055.3, NM_001370405.1); c.4656C>G, p.Phe1552Leu (NM_001077183.3); c.4788C>G, p.Phe1596Leu (NM_001114382.3); c.4548C>G, p.Phe1516Leu (NM_001318827.2); and 26 more; short protein forms F1105L, F1128L, F1353L, F1395L, F1547L, F1559L, F1563L, F1576L.
Identifiers: ClinVar variation 3637252 (VCV003637252.3).

ClinVar aggregate classification (germline): Uncertain significance. Review status: criteria provided, multiple submitters, no conflicts (2 of 4 stars). 2 submissions from 2 submitters: Uncertain significance (2). Last evaluated 2025-09-12.

Conditions:
Tuberous sclerosis 2 (TSC2). Identifiers: Orphanet 805, MedGen C1860707, MONDO:0013199, OMIM 613254.
Hereditary cancer-predisposing syndrome. Also called: Hereditary Cancer Syndrome; Hereditary neoplastic syndrome; Neoplastic Syndromes, Hereditary; Tumor predisposition. Identifiers: Orphanet 140162, MedGen C0027672, MeSH D009386, MONDO:0015356.

Submissions (2):

Ambry Genetics
Classification: Uncertain significance for Hereditary cancer-predisposing syndrome. Last evaluated: 2025-09-12. Review status: criteria provided, single submitter. Criteria: Ambry Variant Classification Scheme 2023. Collection method: clinical testing. Allele origin: germline.
Comment: The p.F1619L variant (also known as c.4857C>G), located in coding exon 37 of the TSC2 gene, results from a C to G substitution at nucleotide position 4857. The phenylalanine at codon 1619 is replaced by leucine, an amino acid with highly similar properties. This amino acid position is conserved. In addition, this alteration is predicted to be deleterious by in silico analysis. Based on the available evidence, the clinical significance of this variant remains unclear.

Labcorp Genetics (formerly Invitae), Labcorp
Classification: Uncertain significance for Tuberous sclerosis 2. Last evaluated: 2024-07-10. Review status: criteria provided, single submitter. Criteria: Invitae Variant Classification Sherloc (09022015). Collection method: clinical testing. Allele origin: germline.
Comment: This sequence change replaces phenylalanine, which is neutral and non-polar, with leucine, which is neutral and non-polar, at codon 1619 of the TSC2 protein (p.Phe1619Leu). This variant is not present in population databases (gnomAD no frequency). This variant has not been reported in the literature in individuals affected with TSC2-related conditions. Advanced modeling of protein sequence and biophysical properties (such as structural, functional, and spatial information, amino acid conservation, physicochemical variation, residue mobility, and thermodynamic stability) has been performed at Invitae for this missense variant, however the output from this modeling did not meet the statistical confidence thresholds required to predict the impact of this variant on TSC2 protein function. In summary, the available evidence is currently insufficient to determine the role of this variant in disease. Therefore, it has been classified as a Variant of Uncertain Significance.